The following is an entry in ClinVar:

ClinVar aggregate classification (germline): Uncertain significance (1 of 4 stars; one submission).

Allele frequency attached by ClinVar (database versions not stated): gnomAD exomes 0.00001 and below 0.00001; ExAC 0.00001.
gnomAD v4.1: 2 of 1,614,236 alleles (0.00012%); highest among the groups gnomAD compares: East Asian, 0.0045%; no homozygotes.

Submission:

Labcorp Genetics (formerly Invitae), Labcorp
Classification: Uncertain significance. Last evaluated: 2023-08-09. Review status: criteria provided, single submitter. Criteria: Invitae Variant Classification Sherloc (09022015). Collection method: clinical testing. Allele origin: germline.
Comment: Algorithms developed to predict the effect of missense changes on protein structure and function output the following: SIFT: "Not Available"; PolyPhen-2: "Benign"; Align-GVGD: "Not Available". The glutamic acid amino acid residue is found in multiple mammalian species, which suggests that this missense change does not adversely affect protein function. ClinVar contains an entry for this variant (Variation ID: 1487811). This variant has not been reported in the literature in individuals affected with DHX32-related conditions. This variant is present in population databases (rs780909472, gnomAD 0.01%). This sequence change replaces lysine, which is basic and polar, with glutamic acid, which is acidic and polar, at codon 411 of the DHX32 protein (p.Lys411Glu). In summary, the available evidence is currently insufficient to determine the role of this variant in disease. Therefore, it has been classified as a Variant of Uncertain Significance.

NM_018180.3(DHX32):c.1231A>G (p.Lys411Glu)

Genes: BCCIP (BRCA2 and CDKN1A interacting protein; plus strand), DHX32 (DEAH-box helicase 32 (putative); minus strand). Cytogenetic location: 10q26.2.
Variant type: single nucleotide variant.
Coding change: c.1231A>G on transcript NM_018180.3 (MANE Select); coding-DNA position 1231, A replaced by G.
Protein change: p.Lys411Glu; replaces lysine 411 with glutamic acid.
Molecular consequence: missense variant. On other transcripts: intron variant (1).
Genome position (GRCh38, 1-based): chr10:125,852,413, T>C on the plus strand (A>G on the coding strand, the complement: DHX32 is on the minus strand). VCF-style: chr10-125852413-T-C. GRCh37 (hg19) VCF-style: chr10-127540982-T-C.
Other names: c.851-712T>C (NM_016567.4); short protein forms K411E.
Identifiers: ClinVar variation 1487811 (VCV001487811.6), dbSNP rs780909472, ClinGen allele CA5739237.